The following is an entry in ClinVar:

NM_000038.6(APC):c.155A>G (p.Gln52Arg)

Gene: APC (APC regulator of Wnt signaling pathway; plus strand). Cytogenetic location: 5q22.2.
Variant type: single nucleotide variant.
Coding change: c.155A>G on transcript NM_000038.6 (MANE Select); coding-DNA position 155, A replaced by G.
Protein change: p.Gln52Arg; replaces glutamine 52 with arginine.
Molecular consequence: missense variant. On other transcripts: 5 prime UTR variant (4).
Genome position (GRCh38, 1-based): chr5:112,766,345, A>G. VCF-style: chr5-112766345-A-G. GRCh37 (hg19) VCF-style: chr5-112102042-A-G.
Other names: c.155A>G, p.Gln52Arg (NM_001127510.3, NM_001354895.2, NM_001354896.2 and 2 more transcripts); c.185A>G, p.Gln62Arg (NM_001127511.3, NM_001354897.2, NM_001354902.2); c.80A>G, p.Gln27Arg (NM_001354898.2, NM_001354904.2); c.-23A>G (NM_001354900.2, NM_001354901.2, NM_001354905.2); c.-881A>G (NM_001354906.2); short protein forms Q27R, Q62R, Q52R.
Identifiers: ClinVar variation 927385 (VCV000927385.4), dbSNP rs1756318846, ClinGen allele CA16021684.

ClinVar aggregate classification (germline): Uncertain significance (1 of 4 stars; one submission).

Conditions:
Hereditary cancer-predisposing syndrome. Also called: Neoplastic Syndromes, Hereditary; Hereditary Cancer Syndrome; Tumor predisposition; Hereditary neoplastic syndrome. Identifiers: Orphanet 140162, MedGen C0027672, MeSH D009386, MONDO:0015356.

Submission:

Color Diagnostics, LLC DBA Color Health
Classification: Uncertain significance for Hereditary cancer-predisposing syndrome. Last evaluated: 2024-03-06. Review status: criteria provided, single submitter. Criteria: ACMG Guidelines, 2015. Collection method: clinical testing. Allele origin: germline.
Comment: This missense variant replaces glutamine with arginine at codon 52 of the APC protein. Computational prediction is inconclusive regarding the impact of this variant on protein structure and function (internally defined REVEL score threshold 0.5 < inconclusive < 0.7, PMID: 27666373). Splice site prediction tools suggest that this variant may not impact RNA splicing. To our knowledge, functional studies have not been performed for this variant. This variant has not been reported in individuals affected with hereditary cancer in the literature. This variant has not been identified in the general population by the Genome Aggregation Database (gnomAD). The available evidence is insufficient to determine the role of this variant in disease conclusively. Therefore, this variant is classified as a Variant of Uncertain Significance.